The following is an entry in ClinVar:

ClinVar aggregate classification (germline): Benign/Likely benign. Review status: criteria provided, multiple submitters, no conflicts (2 of 4 stars). 11 submissions from 9 submitters: Benign (8); Likely benign (1). 2 of the submissions do not count toward it. Last evaluated 2026-02-01.

Conditions:
Cranioectodermal dysplasia 2 (CED2). Identifiers: Orphanet 1515, MedGen C3150874, MONDO:0013323, OMIM 613610.
Short-rib thoracic dysplasia 7 with or without polydactyly (SRTD7). Also called: SHORT-RIB THORACIC DYSPLASIA 7 WITH POLYDACTYLY; Short rib polydactyly syndrome 5. Identifiers: Orphanet 498497, Orphanet 93271, MedGen C3279792, MONDO:0013569, OMIM 614091.

Allele frequency attached by ClinVar (database versions not stated): ESP Exome Variant Server 0.06543; gnomAD 0.07465 and 0.08036; TOPMed 0.07852; gnomAD exomes 0.09782 and 0.10775; ExAC 0.10651; 1000 Genomes Project 30x 0.11384; 1000 Genomes Project 0.11861.
gnomAD v4.1: 155,361 of 1,614,008 alleles (9.6%); highest among the groups gnomAD compares: South Asian, 21%; 8,808 homozygotes.

Submissions (16):

Labcorp Genetics (formerly Invitae), Labcorp
Classification: Benign for Cranioectodermal dysplasia 2; Short-rib thoracic dysplasia 7 with or without polydactyly. Last evaluated: 2026-02-01. Review status: criteria provided, single submitter. Criteria: Invitae Variant Classification Sherloc (09022015). Collection method: clinical testing. Allele origin: germline.

Blueprint Genetics
Classification: Benign. Last evaluated: 2024-11-26. Review status: criteria provided, single submitter. Criteria: ACMG Guidelines, 2015. Collection method: clinical testing. Allele origin: germline.

Mayo Clinic Laboratories, Mayo Clinic
Classification: Benign. Last evaluated: 2022-07-15. Review status: criteria provided, single submitter. Criteria: ACMG Guidelines, 2015. Collection method: clinical testing. Allele origin: germline. Observed: 30 variant alleles.

Genome-Nilou Lab
Classification: Benign for Cranioectodermal dysplasia 2. Last evaluated: 2021-12-05. Review status: criteria provided, single submitter. Criteria: ACMG Guidelines, 2015. Collection method: clinical testing. Allele origin: germline. Affected: no.

Genome-Nilou Lab
Classification: Benign for Short-rib thoracic dysplasia 7 with or without polydactyly. Last evaluated: 2021-12-05. Review status: criteria provided, single submitter. Criteria: ACMG Guidelines, 2015. Collection method: clinical testing. Allele origin: germline. Affected: no.

Illumina Laboratory Services, Illumina
Classification: Benign for Short-rib thoracic dysplasia 7 with or without polydactyly. Last evaluated: 2018-01-13. Review status: criteria provided, single submitter. Criteria: ICSL Variant Classification Criteria 13 December 2019. Collection method: clinical testing. Allele origin: germline.
Comment: This variant was observed in the ICSL laboratory as part of a predisposition screen in an ostensibly healthy population. It had not been previously curated by ICSL or reported in the Human Gene Mutation Database (HGMD: prior to June 1st, 2018), and was therefore a candidate for classification through an automated scoring system. Utilizing variant allele frequency, disease prevalence and penetrance estimates, and inheritance mode, an automated score was calculated to assess if this variant is too frequent to cause the disease. Based on the score and internal cut-off values, a variant classified as benign is not then subjected to further curation. The score for this variant resulted in a classification of benign for this disease.

Illumina Laboratory Services, Illumina
Classification: Benign for Cranioectodermal dysplasia 2. Last evaluated: 2018-01-13. Review status: criteria provided, single submitter. Criteria: ICSL Variant Classification Criteria 13 December 2019. Collection method: clinical testing. Allele origin: germline.
Comment: the same text as in the submission from Illumina Laboratory Services, Illumina above.

GeneDx
Classification: Benign. Last evaluated: 2017-09-13. Review status: criteria provided, single submitter. Criteria: GeneDx Variant Classification (06012015). Collection method: clinical testing. Allele origin: germline. Affected: yes.
Comment: This variant is considered likely benign or benign based on one or more of the following criteria: it is a conservative change, it occurs at a poorly conserved position in the protein, it is predicted to be benign by multiple in silico algorithms, and/or has population frequency not consistent with disease.

Breakthrough Genomics
Classification: Likely benign. Review status: criteria provided, single submitter. Criteria: ACMG Guidelines, 2015. Collection method: not provided. Allele origin: germline. Inheritance: Autosomal recessive inheritance. Affected: yes.

Clinical Genetics DNA and cytogenetics Diagnostics Lab, Erasmus MC, Erasmus Medical Center
Classification: Benign. Review status: no assertion criteria provided. Collection method: clinical testing. Allele origin: germline. Affected: yes. Study: VKGL Data-share Consensus. Not counted in ClinVar's aggregate classification.

Dr. Peter K. Rogan Lab, Western University
No classification provided (evidence only). Condition: Colorectal cancer. Review status: no classification provided. Collection method: in vitro. Allele origin: not applicable. Functional consequence: retained intron. Not counted in ClinVar's aggregate classification.

Dr. Peter K. Rogan Lab, Western University
No classification provided (evidence only). Condition: Colorectal cancer. Review status: no classification provided. Collection method: in vitro. Allele origin: not applicable. Functional consequence: retained intron. Not counted in ClinVar's aggregate classification.

Dr. Peter K. Rogan Lab, Western University
No classification provided (evidence only). Condition: Uterine carcinosarcoma. Review status: no classification provided. Collection method: in vitro. Allele origin: not applicable. Functional consequence: retained intron. Not counted in ClinVar's aggregate classification.

Dr. Peter K. Rogan Lab, Western University
No classification provided (evidence only). Condition: Uterine carcinosarcoma. Review status: no classification provided. Collection method: in vitro. Allele origin: not applicable. Functional consequence: retained intron. Not counted in ClinVar's aggregate classification.

Dr. Peter K. Rogan Lab, Western University
No classification provided (evidence only). Condition: Uveal melanoma. Review status: no classification provided. Collection method: in vitro. Allele origin: not applicable. Functional consequence: retained intron. Not counted in ClinVar's aggregate classification.

Joint Genome Diagnostic Labs from Nijmegen and Maastricht, Radboudumc and MUMC+
Classification: Benign. Review status: no assertion criteria provided. Collection method: clinical testing. Allele origin: germline. Affected: yes. Study: VKGL Data-share Consensus. Not counted in ClinVar's aggregate classification.

NM_020779.4(WDR35):c.53A>G (p.Gln18Arg)

Gene: WDR35 (WD repeat domain 35; minus strand). Cytogenetic location: 2p24.1.
Variant type: single nucleotide variant.
Coding change: c.53A>G on transcript NM_020779.4 (MANE Select); coding-DNA position 53, A replaced by G.
Protein change: p.Gln18Arg; replaces glutamine 18 with arginine.
Molecular consequence: missense variant.
Genome position (GRCh38, 1-based): chr2:19,989,254, T>C on the plus strand (A>G on the coding strand, the complement: WDR35 is on the minus strand). VCF-style: chr2-19989254-T-C. GRCh37 (hg19) VCF-style: chr2-20189015-T-C.
Other names: c.53A>G, p.Gln18Arg (NM_001006657.2); short protein forms Q18R.
Identifiers: ClinVar variation 333407 (VCV000333407.22), dbSNP rs1060742, ClinGen allele CA1543648.